The following is an entry in ClinVar:

ClinVar aggregate classification (germline): Uncertain significance. Review status: criteria provided, multiple submitters, no conflicts (2 of 4 stars). 2 submissions from 2 submitters: Uncertain significance (2). Last evaluated 2022-08-08.

Conditions:
3-methylglutaconic aciduria with deafness, encephalopathy, and Leigh-like syndrome (MEGDEL). Also called: 3-METHYLGLUTACONIC ACIDURIA, TYPE VI; SERAC1 Deficiency; MEGDEL syndrome. Identifiers: Orphanet 352328, MedGen C4040739, MONDO:0013875, OMIM 614739.

Allele frequency attached by ClinVar (database versions not stated): gnomAD below 0.00001 and 0.00003; gnomAD exomes 0.00001; ExAC 0.00002; 1000 Genomes Project 30x 0.00031; 1000 Genomes Project 0.00040.
gnomAD v4.1: 23 of 1,613,042 alleles (0.0014%); highest among the groups gnomAD compares: South Asian, 0.02%; no homozygotes.

Submissions (2):

Labcorp Genetics (formerly Invitae), Labcorp
Classification: Uncertain significance for 3-methylglutaconic aciduria with deafness, encephalopathy, and Leigh-like syndrome. Last evaluated: 2022-08-08. Review status: criteria provided, single submitter. Criteria: Invitae Variant Classification Sherloc (09022015). Collection method: clinical testing. Allele origin: germline.
Comment: This sequence change replaces arginine, which is basic and polar, with cysteine, which is neutral and slightly polar, at codon 190 of the SERAC1 protein (p.Arg190Cys). This variant is present in population databases (rs564717592, gnomAD 0.01%). This variant has not been reported in the literature in individuals affected with SERAC1-related conditions. ClinVar contains an entry for this variant (Variation ID: 652792). Algorithms developed to predict the effect of missense changes on protein structure and function are either unavailable or do not agree on the potential impact of this missense change (SIFT: "Tolerated"; PolyPhen-2: "Probably Damaging"; Align-GVGD: "Class C0"). In summary, the available evidence is currently insufficient to determine the role of this variant in disease. Therefore, it has been classified as a Variant of Uncertain Significance.

Department of Pathology and Laboratory Medicine, Sinai Health System
Classification: Uncertain significance for 3-methylglutaconic aciduria with deafness, encephalopathy, and Leigh-like syndrome. Last evaluated: 2022-06-15. Review status: criteria provided, single submitter. Criteria: ACMG Guidelines, 2015. Collection method: research. Allele origin: germline.

NM_032861.4(SERAC1):c.568C>T (p.Arg190Cys)

Gene: SERAC1 (serine active site containing 1; minus strand). Cytogenetic location: 6q25.3.
Variant type: single nucleotide variant.
Coding change: c.568C>T on transcript NM_032861.4 (MANE Select); coding-DNA position 568, C replaced by T.
Protein change: p.Arg190Cys; replaces arginine 190 with cysteine.
Molecular consequence: missense variant. On other transcripts: non-coding transcript variant (1).
Genome position (GRCh38, 1-based): chr6:158,144,340, G>A on the plus strand (C>T on the coding strand, the complement: SERAC1 is on the minus strand). VCF-style: chr6-158144340-G-A. GRCh37 (hg19) VCF-style: chr6-158565372-G-A.
Other names: short protein forms R190C.
Identifiers: ClinVar variation 652792 (VCV000652792.7), dbSNP rs564717592, ClinGen allele CA4071322.
Genomic context (GRCh38, chr6:158,144,340, plus strand): 5'-TTATTATTGTTTTACTTACTTCTTTTAAAGATGGCAAAGGAGGTGGTAGGAGAAAAAAGC[G>A]AAGATCACTCTCTTCGCTTCGTGCCAAACCAATAAGAGTTTTCGGATCACAGGCTTGAGC-3'
Protein context (NP_116250.3, residues 180-200): GLARSEESDL[Arg190Cys]FFLLPPPLPS